The following is an entry in ClinVar:

NM_001099271.2(POC5):c.1465C>T (p.Arg489Trp)

Gene: POC5 (POC5 centriolar protein; minus strand). Cytogenetic location: 5q13.3.
Variant type: single nucleotide variant.
Coding change: c.1465C>T on transcript NM_001099271.2 (MANE Select); coding-DNA position 1465, C replaced by T.
Protein change: p.Arg489Trp; replaces arginine 489 with tryptophan.
Molecular consequence: missense variant.
Genome position (GRCh38, 1-based): chr5:75,677,893, G>A on the plus strand (C>T on the coding strand, the complement: POC5 is on the minus strand). VCF-style: chr5-75677893-G-A. GRCh37 (hg19) VCF-style: chr5-74973718-G-A.
Other names: c.1390C>T, p.Arg464Trp (NM_152408.3); short protein forms R464W, R489W.
Identifiers: ClinVar variation 3701525 (VCV003701525.2).

ClinVar aggregate classification (germline): Uncertain significance (1 of 4 stars; one submission).

gnomAD v4.1: 11 of 1,610,508 alleles (0.00068%); highest among the groups gnomAD compares: African/African-American, 0.0013%; no homozygotes.

Submission:

Labcorp Genetics (formerly Invitae), Labcorp
Classification: Uncertain significance. Last evaluated: 2024-05-26. Review status: criteria provided, single submitter. Criteria: Invitae Variant Classification Sherloc (09022015). Collection method: clinical testing. Allele origin: germline.
Comment: This sequence change replaces arginine, which is basic and polar, with tryptophan, which is neutral and slightly polar, at codon 489 of the POC5 protein (p.Arg489Trp). This variant is present in population databases (rs761987325, gnomAD 0.003%). This variant has not been reported in the literature in individuals affected with POC5-related conditions. An algorithm developed to predict the effect of missense changes on protein structure and function (PolyPhen-2) suggests that this variant is likely to be disruptive. In summary, the available evidence is currently insufficient to determine the role of this variant in disease. Therefore, it has been classified as a Variant of Uncertain Significance.